The following is an entry in ClinVar:

ClinVar aggregate classification (germline): Uncertain significance. Review status: criteria provided, multiple submitters, no conflicts (2 of 4 stars). 4 submissions from 4 submitters: Uncertain significance (4). Last evaluated 2025-12-09.

Conditions:
Charcot-Marie-Tooth disease axonal type 2U. Also called: CHARCOT-MARIE-TOOTH NEUROPATHY, TYPE 2U; CHARCOT-MARIE-TOOTH DISEASE, AXONAL, AUTOSOMAL DOMINANT, TYPE 2U. Identifiers: Orphanet 397735, MedGen C4084821, MONDO:0014566, OMIM 616280.
Severe early-onset pulmonary alveolar proteinosis due to MARS deficiency. Also called: PULMONARY ALVEOLAR PROTEINOSIS, REUNION ISLAND; Interstitial lung and liver disease. Identifiers: Orphanet 440427, MedGen C4225400, MONDO:0014206, OMIM 615486.

Allele frequency attached by ClinVar (database versions not stated): gnomAD exomes below 0.00001 and 0.00001; gnomAD 0.00002; TOPMed 0.00002.

Submissions (4):

Labcorp Genetics (formerly Invitae), Labcorp
Classification: Uncertain significance for Charcot-Marie-Tooth disease axonal type 2U; Severe early-onset pulmonary alveolar proteinosis due to MARS deficiency. Last evaluated: 2025-12-09. Review status: criteria provided, single submitter. Criteria: Invitae Variant Classification Sherloc (09022015). Collection method: clinical testing. Allele origin: germline.
Comment: This sequence change creates a premature translational stop signal (p.Gln93*) in the MARS gene. It is expected to result in an absent or disrupted protein product. However, the current clinical and genetic evidence is not sufficient to establish whether loss-of-function variants in MARS cause disease. This variant is present in population databases (no rsID available, gnomAD 0.003%). This variant has not been reported in the literature in individuals affected with MARS-related conditions. ClinVar contains an entry for this variant (Variation ID: 1681683). Algorithms developed to predict the effect of sequence changes on RNA splicing suggest that this variant may disrupt the consensus splice site. In summary, the available evidence is currently insufficient to determine the role of this variant in disease. Therefore, it has been classified as a Variant of Uncertain Significance.

Women's Health and Genetics/Laboratory Corporation of America, LabCorp
Classification: Uncertain significance. Last evaluated: 2025-03-12. Review status: criteria provided, single submitter. Criteria: LabCorp Variant Classification Summary - May 2015. Collection method: clinical testing. Allele origin: germline.
Comment: Variant summary: MARS1 c.277C>T (p.Gln93X) results in a premature termination codon, predicted to cause a truncation of the encoded protein or absence of the protein due to nonsense mediated decay, however current evidence is not sufficient to establish loss of function as a mechanism for disease. The variant allele was found at a frequency of 7.1e-06 in 282872 control chromosomes. The available data on variant occurrences in the general population are insufficient to allow any conclusion about variant significance. To our knowledge, no occurrence of c.277C>T in individuals affected with MARS1-Related Disorders and no experimental evidence demonstrating its impact on protein function have been reported. ClinVar contains an entry for this variant (Variation ID: 1681683). Based on the evidence outlined above, the variant was classified as uncertain significance.

Blueprint Genetics
Classification: Uncertain significance. Last evaluated: 2024-09-12. Review status: criteria provided, single submitter. Criteria: ACMG Guidelines, 2015. Collection method: clinical testing. Allele origin: germline.

Ambry Genetics
Classification: Uncertain significance. Last evaluated: 2019-09-25. Review status: criteria provided, single submitter. Criteria: Ambry Variant Classification Scheme 2023. Collection method: clinical testing. Allele origin: germline.
Comment: The p.Q93* variant (also known as c.277C>T), located in coding exon 3 of the MARS gene, results from a C to T substitution at nucleotide position 277. This changes the amino acid from a glutamine to a stop codon within coding exon 3. This alteration is expected to result in loss of function by premature protein truncation or nonsense-mediated mRNA decay. However, loss of function of MARS has not been clearly established as a mechanism of autosomal dominant disease. Biallelic loss of function alterations have been reported as the mechanism of disease for an allelic disorder of interstitial lung and liver disease (ILLD). Since supporting evidence is limited at this time, the clinical significance of this alteration remains unclear for autosomal dominant MARS-related neuropathy.

NM_004990.4(MARS1):c.277C>T (p.Gln93Ter)

Gene: MARS1 (methionyl-tRNA synthetase 1; plus strand). Cytogenetic location: 12q13.3.
Variant type: single nucleotide variant.
Coding change: c.277C>T on transcript NM_004990.4 (MANE Select); coding-DNA position 277, C replaced by T.
Protein change: p.Gln93Ter; replaces glutamine 93 with a stop codon.
Molecular consequence: nonsense.
Genome position (GRCh38, 1-based): chr12:57,489,343, C>T. VCF-style: chr12-57489343-C-T. GRCh37 (hg19) VCF-style: chr12-57883126-C-T.
Other names: short protein forms Q93*.
Identifiers: ClinVar variation 1681683 (VCV001681683.11), dbSNP rs958058841, ClinGen allele CA385490943.